The following is an entry in ClinVar:

ClinVar aggregate classification (germline): Benign/Likely benign. Review status: criteria provided, multiple submitters, no conflicts (2 of 4 stars). 3 submissions from 3 submitters: Benign (2); Likely benign (1). Last evaluated 2026-05-01.

Allele frequency attached by ClinVar (database versions not stated): gnomAD 0.00695 and 0.00675; gnomAD exomes 0.00729 and 0.00705; 1000 Genomes Project 30x 0.00234; 1000 Genomes Project 0.00260; TOPMed 0.00443; ESP Exome Variant Server 0.00546; ExAC 0.00673.
gnomAD v4.1: 11,622 of 1,614,132 alleles (0.72%); highest among the groups gnomAD compares: Non-Finnish European, 0.73%; 70 homozygotes.

Submissions (3):

CeGaT Center for Human Genetics Tuebingen
Classification: Likely benign. Last evaluated: 2026-05-01. Review status: criteria provided, single submitter. Criteria: CeGaT Center For Human Genetics Tuebingen Variant Classification Criteria Version 2. Collection method: clinical testing. Allele origin: germline. Affected: yes. Observed: 2 variant alleles.
Comment: HSPB2: BS2

Labcorp Genetics (formerly Invitae), Labcorp
Classification: Benign. Last evaluated: 2018-07-26. Review status: criteria provided, single submitter. Criteria: Invitae Variant Classification Sherloc (09022015). Collection method: clinical testing. Allele origin: germline.

Breakthrough Genomics
Classification: Benign. Review status: criteria provided, single submitter. Criteria: ACMG Guidelines, 2015. Collection method: not provided. Allele origin: germline. Inheritance: Unknown mechanism. Affected: yes.

NM_001541.4(HSPB2):c.331G>A (p.Gly111Ser)

Genes: CRYAB (crystallin alpha B; minus strand), HSPB2 (heat shock protein family B (small) member 2; plus strand), HSPB2-C11orf52 (HSPB2-C11orf52 readthrough (NMD candidate); plus strand). Cytogenetic location: 11q23.1.
Variant type: single nucleotide variant.
Coding change: c.331G>A on transcript NM_001541.4 (MANE Select); coding-DNA position 331, G replaced by A.
Protein change: p.Gly111Ser; replaces glycine 111 with serine.
Molecular consequence: missense variant. On other transcripts: intron variant (1).
Genome position (GRCh38, 1-based): chr11:111,913,677, G>A. VCF-style: chr11-111913677-G-A. GRCh37 (hg19) VCF-style: chr11-111784401-G-A.
Other names: c.-198-1755C>T (NM_001368245.1); short protein forms G111S.
Identifiers: ClinVar variation 785891 (VCV000785891.12), dbSNP rs4252589, ClinGen allele CA6275688.